The following is an entry in ClinVar:

NM_031844.3(HNRNPU):c.2168-1G>T

Gene: HNRNPU (heterogeneous nuclear ribonucleoprotein U; minus strand). Cytogenetic location: 1q44.
Variant type: single nucleotide variant.
Coding change: c.2168-1G>T on transcript NM_031844.3 (MANE Select); the canonical splice acceptor site of the intron before coding-DNA position 2168, G replaced by T.
Molecular consequence: splice acceptor variant.
Genome position (GRCh38, 1-based): chr1:244,855,609, C>A on the plus strand (G>T on the coding strand, the complement: HNRNPU is on the minus strand). VCF-style: chr1-244855609-C-A. GRCh37 (hg19) VCF-style: chr1-245018911-C-A.
Other names: c.2111-1G>T (NM_004501.3).
Identifiers: ClinVar variation 1219744 (VCV001219744.3), dbSNP rs2102985114, ClinGen allele CA345487330.

ClinVar aggregate classification (germline): Pathogenic (1 of 4 stars; one submission).

Submission:

GeneDx
Classification: Pathogenic. Last evaluated: 2019-06-25. Review status: criteria provided, single submitter. Criteria: GeneDx Variant Classification Process June 2021. Collection method: clinical testing. Allele origin: germline. Affected: yes.
Comment: Canonical splice site variant in a gene for which loss-of-function is a known mechanism of disease; Not observed in large population cohorts (Lek et al., 2016); Has not been previously published as pathogenic or benign to our knowledge